The following is an entry in ClinVar:

ClinVar aggregate classification (germline): Uncertain significance. Review status: criteria provided, multiple submitters, no conflicts (2 of 4 stars). 2 submissions from 2 submitters: Uncertain significance (2). Last evaluated 2022-03-12.

Conditions:
Meckel-Gruber syndrome. Also called: Dysencephalia splachnocystica; DYSENCEPHALIA SPLANCHNOCYSTICA; GRUBER SYNDROME. Identifiers: Orphanet 564, MedGen C0265215, MONDO:0018921.
Joubert syndrome. Also called: Familial aplasia of the vermis; JOUBERT-BOLTSHAUSER SYNDROME. Identifiers: Orphanet 475, MedGen C5979921, MONDO:0018772.

Allele frequency attached by ClinVar (database versions not stated): gnomAD exomes 0.00001; ExAC 0.00002; ESP Exome Variant Server 0.00008.
gnomAD v4.1: 1 of 1,609,036 alleles (0.000062%); highest among the groups gnomAD compares: Non-Finnish European, 0.000085%; no homozygotes.

Submissions (2):

Labcorp Genetics (formerly Invitae), Labcorp
Classification: Uncertain significance for Joubert syndrome; Meckel-Gruber syndrome. Last evaluated: 2022-03-12. Review status: criteria provided, single submitter. Criteria: Invitae Variant Classification Sherloc (09022015). Collection method: clinical testing. Allele origin: germline.
Comment: This sequence change replaces glycine, which is neutral and non-polar, with glutamic acid, which is acidic and polar, at codon 102 of the CC2D2A protein (p.Gly102Glu). This variant is present in population databases (rs373765548, gnomAD 0.002%). This variant has not been reported in the literature in individuals affected with CC2D2A-related conditions. ClinVar contains an entry for this variant (Variation ID: 598581). Advanced modeling of protein sequence and biophysical properties (such as structural, functional, and spatial information, amino acid conservation, physicochemical variation, residue mobility, and thermodynamic stability) performed at Invitae indicates that this missense variant is not expected to disrupt CC2D2A protein function. In summary, the available evidence is currently insufficient to determine the role of this variant in disease. Therefore, it has been classified as a Variant of Uncertain Significance.

Eurofins Ntd Llc (ga)
Classification: Uncertain significance. Last evaluated: 2018-08-30. Review status: criteria provided, single submitter. Criteria: EGL ClinVar v180209 classification definitions. Collection method: clinical testing. Allele origin: germline. Observed: 1 variant allele, 1 heterozygote.

NM_001378615.1(CC2D2A):c.305G>A (p.Gly102Glu)

Genes: CC2D2A (coiled-coil and C2 domain containing 2A; plus strand), FBXL5 (F-box and leucine rich repeat protein 5; minus strand). Cytogenetic location: 4p15.32.
Variant type: single nucleotide variant.
Coding change: c.305G>A on transcript NM_001378615.1 (MANE Select); coding-DNA position 305, G replaced by A.
Protein change: p.Gly102Glu; replaces glycine 102 with glutamic acid.
Molecular consequence: missense variant.
Genome position (GRCh38, 1-based): chr4:15,502,486, G>A. VCF-style: chr4-15502486-G-A. GRCh37 (hg19) VCF-style: chr4-15504109-G-A.
Other names: c.305G>A, p.Gly102Glu (NM_001080522.2); c.158G>A, p.Gly53Glu (NM_001378617.1); short protein forms G102E, G53E.
Identifiers: ClinVar variation 598581 (VCV000598581.7), dbSNP rs373765548, ClinGen allele CA2863366.